The following is an entry in ClinVar:

NM_017617.5(NOTCH1):c.5508C>A (p.Asp1836Glu)

Gene: NOTCH1 (notch receptor 1; minus strand). Cytogenetic location: 9q34.3.
Variant type: single nucleotide variant.
Coding change: c.5508C>A on transcript NM_017617.5 (MANE Select); coding-DNA position 5508, C replaced by A.
Protein change: p.Asp1836Glu; replaces aspartic acid 1836 with glutamic acid.
Molecular consequence: missense variant.
Genome position (GRCh38, 1-based): chr9:136,501,878, G>T on the plus strand (C>A on the coding strand, the complement: NOTCH1 is on the minus strand). VCF-style: chr9-136501878-G-T. GRCh37 (hg19) VCF-style: chr9-139396330-G-T.
Other names: c.5508C>A (NM_017617.3); short protein forms D1836E.
Identifiers: ClinVar variation 2795872 (VCV002795872.4), dbSNP rs764146134, ClinGen allele CA375639394.
Genomic context (GRCh38, chr9:136,501,878, plus strand): 5'-AGACATGCGCAGGTCAGCGGCATCCAGGTGCTGCTGAGTCCACTGCCGGTGGTCTGTCTG[G>T]TCGTCCAGGTCAGGCAGAACCACGGGCTCCTCGAACTACATAGAGGGAGTGAGCAGAGCC-3'
Protein context (NP_060087.3, residues 1826-1846): EEPVVLPDLD[Asp1836Glu]QTDHRQWTQQ

ClinVar aggregate classification (germline): Uncertain significance. Review status: criteria provided, multiple submitters, no conflicts (2 of 4 stars). 2 submissions from 2 submitters: Uncertain significance (2). Last evaluated 2024-07-03.

Conditions:
Adams-Oliver syndrome 5 (AOS5). Identifiers: Orphanet 974, MedGen C4014970, MONDO:0014459, OMIM 616028.

Submissions (2):

GeneDx
Classification: Uncertain significance. Last evaluated: 2024-07-03. Review status: criteria provided, single submitter. Criteria: GeneDx Variant Classification Process June 2021. Collection method: clinical testing. Allele origin: germline. Affected: yes.
Comment: Not observed at significant frequency in large population cohorts (gnomAD); In silico analysis indicates that this missense variant does not alter protein structure/function; Has not been previously published as pathogenic or benign to our knowledge

Labcorp Genetics (formerly Invitae), Labcorp
Classification: Uncertain significance for Adams-Oliver syndrome 5. Last evaluated: 2024-04-05. Review status: criteria provided, single submitter. Criteria: Invitae Variant Classification Sherloc (09022015). Collection method: clinical testing. Allele origin: germline.
Comment: This sequence change replaces aspartic acid, which is acidic and polar, with glutamic acid, which is acidic and polar, at codon 1836 of the NOTCH1 protein (p.Asp1836Glu). This variant is not present in population databases (gnomAD no frequency). This variant has not been reported in the literature in individuals affected with NOTCH1-related conditions. Advanced modeling of protein sequence and biophysical properties (such as structural, functional, and spatial information, amino acid conservation, physicochemical variation, residue mobility, and thermodynamic stability) performed at Invitae indicates that this missense variant is not expected to disrupt NOTCH1 protein function with a negative predictive value of 80%. In summary, the available evidence is currently insufficient to determine the role of this variant in disease. Therefore, it has been classified as a Variant of Uncertain Significance.